The following is an entry in ClinVar:

ClinVar aggregate classification (germline): Pathogenic. Review status: criteria provided, single submitter (1 of 4 stars). 2 submissions from 2 submitters: Pathogenic (1). 1 of the submissions does not count toward it. Last evaluated 2020-03-01.

Submissions (2):

CeGaT Center for Human Genetics Tuebingen
Classification: Pathogenic. Last evaluated: 2020-03-01. Review status: criteria provided, single submitter. Criteria: CeGaT Center For Human Genetics Tuebingen Variant Classification Criteria Version 2. Collection method: clinical testing. Allele origin: germline. Affected: yes. Observed: 1 variant allele.

GenMed Metabolism Lab
Classification: Pathogenic. Review status: no assertion criteria provided. Collection method: not provided. Allele origin: unknown. Not counted in ClinVar's aggregate classification.
Comment: p.His117Arg, Late
ClinVar note: Converted during submission from pathogenic to Pathogenic.

NM_000531.6(OTC):c.350A>G (p.His117Arg)

Gene: OTC (ornithine transcarbamylase; plus strand). Cytogenetic location: Xp11.4.
Variant type: single nucleotide variant.
Coding change: c.350A>G on transcript NM_000531.6 (MANE Select); coding-DNA position 350, A replaced by G.
Protein change: p.His117Arg; replaces histidine 117 with arginine.
Molecular consequence: missense variant.
Genome position (GRCh38, 1-based): chrX:38,381,393, A>G. VCF-style: chrX-38381393-A-G. GRCh37 (hg19) VCF-style: chrX-38240646-A-G.
Other names: short protein forms H117R.
Identifiers: ClinVar variation 97171 (VCV000097171.42), dbSNP rs66539573, ClinGen allele CA224559.
Genomic context (GRCh38, chrX:38,381,393, plus strand): 5'-TTATTGTAGGCTTTGCACTTCTGGGAGGACATCCTTGTTTTCTTACCACACAAGATATTC[A>G]TTTGGGTGTGAATGAAAGTCTCACGGACACGGCCCGGTTTGTAAATATTTTCTTCTCTCC-3'
Protein context (NP_000522.3, residues 107-127): HPCFLTTQDI[His117Arg]LGVNESLTDT